The following is an entry in ClinVar:

NM_020361.5(CPA6):c.107G>T (p.Arg36Leu)

Gene: CPA6 (carboxypeptidase A6; minus strand). Cytogenetic location: 8q13.2.
Variant type: single nucleotide variant.
Coding change: c.107G>T on transcript NM_020361.5 (MANE Select); coding-DNA position 107, G replaced by T.
Protein change: p.Arg36Leu; replaces arginine 36 with leucine.
Molecular consequence: missense variant.
Genome position (GRCh38, 1-based): chr8:67,746,023, C>A on the plus strand (G>T on the coding strand, the complement: CPA6 is on the minus strand). VCF-style: chr8-67746023-C-A. GRCh37 (hg19) VCF-style: chr8-68658258-C-A.
Other names: short protein forms R36L.
Identifiers: ClinVar variation 569405 (VCV000569405.16), dbSNP rs183899632, ClinGen allele CA4773095.

ClinVar aggregate classification (germline): Uncertain significance. Review status: criteria provided, multiple submitters, no conflicts (2 of 4 stars). 4 submissions from 4 submitters: Uncertain significance (4). Last evaluated 2024-04-10.

Conditions:
Familial temporal lobe epilepsy 5. Identifiers: MedGen C3280730, MONDO:0013741, OMIM 614417.
Febrile seizures, familial, 11 (FEB11). Also called: CONVULSIONS, FAMILIAL FEBRILE, 11. Identifiers: MedGen C3280734, MONDO:0024566, OMIM 614418.

Allele frequency attached by ClinVar (database versions not stated): gnomAD 0.00003; TOPMed 0.00006; 1000 Genomes Project 30x 0.00031; 1000 Genomes Project 0.00040.
gnomAD v4.1: 29 of 1,612,470 alleles (0.0018%); highest among the groups gnomAD compares: Admixed American, 0.032%; no homozygotes.

Submissions (4):

Labcorp Genetics (formerly Invitae), Labcorp
Classification: Uncertain significance for Febrile seizures, familial, 11. Last evaluated: 2024-04-10. Review status: criteria provided, single submitter. Criteria: Invitae Variant Classification Sherloc (09022015). Collection method: clinical testing. Allele origin: germline.
Comment: This sequence change replaces arginine, which is basic and polar, with leucine, which is neutral and non-polar, at codon 36 of the CPA6 protein (p.Arg36Leu). This variant is present in population databases (rs183899632, gnomAD 0.03%). This variant has not been reported in the literature in individuals affected with CPA6-related conditions. ClinVar contains an entry for this variant (Variation ID: 569405). Advanced modeling of protein sequence and biophysical properties (such as structural, functional, and spatial information, amino acid conservation, physicochemical variation, residue mobility, and thermodynamic stability) performed at Invitae indicates that this missense variant is not expected to disrupt CPA6 protein function with a negative predictive value of 80%. In summary, the available evidence is currently insufficient to determine the role of this variant in disease. Therefore, it has been classified as a Variant of Uncertain Significance.

Fulgent Genetics
Classification: Uncertain significance for Familial temporal lobe epilepsy 5; Febrile seizures, familial, 11. Last evaluated: 2021-08-04. Review status: criteria provided, single submitter. Criteria: ACMG Guidelines, 2015. Collection method: clinical testing. Allele origin: unknown.

New York Genome Center
Classification: Uncertain significance for Familial temporal lobe epilepsy 5; Febrile seizures, familial, 11. Last evaluated: 2019-08-14. Review status: criteria provided, single submitter. Criteria: NYGC Assertion Criteria 2020. Collection method: clinical testing. Allele origin: inherited. Observed: 1 heterozygote. Study: CSER-NYCKidSeq.
Comment: The c.107G>T (p.Arg36Leu) variant identified it the CPA6 gene substitutes a moderately conserved Arginine for Leucine at amino acid 36. This variant is found in gnomAD (15 heterozygotes, 0 homozygotes; allele frequency: 5.32e-5) and ExAC (5 heterozygotes, 0 homozygotes; allele frequency: 4.18e-5). In silico algorithms predict this variant to be Neutral (Provean; score: -2.36) and Damaging (SIFT; score: 0.013) to the function of the canonical transcript. This variant is classified in ClinVar as a Varaint of Uncertain Significance (VarID: 569405), and while the c.107G>T (p.Arg36Leu) variant identified in this individual has never been reported in the literature, a different change at the same nucleotide has been reported. Functional studies on the p.Arg36His variant demonstrated 50% reduction of the mutant protein in the extracellular matrix [PMID: 25875328]. While a variant at the same nucleotide has been reported in an individual affected with epilepsy, the lack of functional data or additional evidence supporting the pathogenicity for the c.107G>T (p.Arg36Leu) variant identified in this patient results in its report here as a Variant of Uncertain Significance.

Baylor Genetics
Classification: Uncertain significance for Familial temporal lobe epilepsy 5. Last evaluated: 2018-01-30. Review status: criteria provided, single submitter. Criteria: ACMG Guidelines, 2015. Collection method: clinical testing. Allele origin: paternal. Affected: yes.
Comment: This variant was determined to be of uncertain significance according to ACMG Guidelines, 2015 [PMID:25741868].